The following is an entry in ClinVar:

ClinVar aggregate classification (germline): Conflicting classifications of pathogenicity. Review status: criteria provided, conflicting classifications (1 of 4 stars). 2 submissions from 2 submitters: Likely pathogenic (1); Uncertain significance (1). Last evaluated 2026-05-03.

Conditions:
Neurodevelopmental disorder. Identifiers: MedGen C1535926, MeSH D065886, MONDO:0700092.
Autosomal dominant non-syndromic intellectual disability. Identifiers: Orphanet 178469, MedGen C5680502, MONDO:0015802.

gnomAD v4.1: 1 of 1,612,730 alleles (0.000062%); highest among the groups gnomAD compares: Non-Finnish European, 0.000085%; no homozygotes.

Submissions (2):

Department of Human Genetics, University Hospital Bern, Inselspital
Classification: Uncertain significance for Autosomal dominant non-syndromic intellectual disability. Last evaluated: 2026-05-03. Review status: criteria provided, single submitter. Criteria: ACMG Guidelines, 2015. Collection method: clinical testing. Allele origin: de novo. Affected: yes.
Comment: This synonymous variant might affect splicing. It was observed in two independent individuals in the same study (1x inherited from an affected parent, 1x de novo) and is reported 1x in gnomAD v4.1.0. In summary, criteria PP3 or PS1_Supporting and PP3 were used.

Greenwood Genetic Center Diagnostic Laboratories, Greenwood Genetic Center
Classification: Likely pathogenic for Neurodevelopmental disorder. Last evaluated: 2023-08-23. Review status: criteria provided, single submitter. Criteria: ACMG Guidelines, 2015. Collection method: clinical testing. Allele origin: germline. Affected: yes.
Comment: PS2, PM2, PP3

Literature cited by the submitters: PubMed 42509346 (cited by Department of Human Genetics, University Hospital Bern, Inselspital).

NM_001256627.2(BRSK2):c.1668G>A (p.Ser556=)

Gene: BRSK2 (BR serine/threonine kinase 2; plus strand). Cytogenetic location: 11p15.5.
Variant type: single nucleotide variant.
Coding change: c.1668G>A on transcript NM_001256627.2 (MANE Select); coding-DNA position 1668, G replaced by A.
Protein change: p.Ser556=; no amino-acid change (serine 556 retained).
Molecular consequence: synonymous variant. On other transcripts: non-coding transcript variant (1).
Genome position (GRCh38, 1-based): chr11:1,454,608, G>A. VCF-style: chr11-1454608-G-A. GRCh37 (hg19) VCF-style: chr11-1475838-G-A.
Other names: c.1668G>A, p.Ser556= (NM_001256629.2, NM_003957.4); c.1806G>A, p.Ser602= (NM_001256630.1); c.1488G>A, p.Ser496= (NM_001282218.2).
Identifiers: ClinVar variation 2626896 (VCV002626896.2), dbSNP rs2539740546, ClinGen allele CA471973139.